The following is an entry in ClinVar:

NM_005458.8(GABBR2):c.2660+2dup

Gene: GABBR2 (gamma-aminobutyric acid type B receptor subunit 2; minus strand). Cytogenetic location: 9q22.33.
Variant type: Duplication.
Coding change: c.2660+2dup on transcript NM_005458.8 (MANE Select); the canonical splice donor site of the intron after coding-DNA position 2660, one base duplicated (T; older notation c.2660+2dupT).
Molecular consequence: splice donor variant.
Genome position (GRCh38, 1-based): chr9:98,293,783, A duplicated on the plus strand (T on the coding strand, the reverse complement: GABBR2 is on the minus strand). VCF-style (leftmost placement, unchanged base first): chr9-98293782-T-TA. GRCh37 (hg19) VCF-style: chr9-101056064-T-TA.
Identifiers: ClinVar variation 3647787 (VCV003647787.2).

ClinVar aggregate classification (germline): Uncertain significance (1 of 4 stars; one submission).

Conditions:
Epileptic encephalopathy. Identifiers: MedGen C0543888, HP:0200134.

Submission:

Labcorp Genetics (formerly Invitae), Labcorp
Classification: Uncertain significance for Epileptic encephalopathy. Last evaluated: 2024-03-27. Review status: criteria provided, single submitter. Criteria: Invitae Variant Classification Sherloc (09022015). Collection method: clinical testing. Allele origin: germline.
Comment: This sequence change falls in intron 18 of the GABBR2 gene. It does not directly change the encoded amino acid sequence of the GABBR2 protein. It affects a nucleotide within the consensus splice site. This variant is not present in population databases (gnomAD no frequency). This variant has not been reported in the literature in individuals affected with GABBR2-related conditions. Variants that disrupt the consensus splice site are a relatively common cause of aberrant splicing (PMID: 17576681, 9536098). Algorithms developed to predict the effect of sequence changes on RNA splicing suggest that this variant may disrupt the consensus splice site. In summary, the available evidence is currently insufficient to determine the role of this variant in disease. Therefore, it has been classified as a Variant of Uncertain Significance.

Literature cited by the submitters: PubMed 17576681; PubMed 9536098.